The following is an entry in ClinVar:

NM_000051.4(ATM):c.382G>A (p.Val128Met)

Gene: ATM (ATM serine/threonine kinase; plus strand). Cytogenetic location: 11q22.3.
Variant type: single nucleotide variant.
Coding change: c.382G>A on transcript NM_000051.4 (MANE Select); coding-DNA position 382, G replaced by A.
Protein change: p.Val128Met; replaces valine 128 with methionine.
Molecular consequence: missense variant.
Genome position (GRCh38, 1-based): chr11:108,235,720, G>A. VCF-style: chr11-108235720-G-A. GRCh37 (hg19) VCF-style: chr11-108106447-G-A.
Other names: p.V128M:GTG>ATG; c.382G>A, p.Val128Met (NM_001351834.2); short protein forms V128M.
Identifiers: ClinVar variation 127375 (VCV000127375.13), dbSNP rs587779835, ClinGen allele CA286816.

ClinVar aggregate classification (germline): Uncertain significance. Review status: criteria provided, multiple submitters, no conflicts (2 of 4 stars). 4 submissions from 4 submitters: Uncertain significance (3). 1 of the submissions does not count toward it. Last evaluated 2024-04-11.

Conditions:
Hereditary cancer-predisposing syndrome. Also called: Tumor predisposition; Hereditary Cancer Syndrome; Neoplastic Syndromes, Hereditary; Hereditary neoplastic syndrome. Identifiers: Orphanet 140162, MedGen C0027672, MeSH D009386, MONDO:0015356.
Ataxia-telangiectasia syndrome (AT). Also called: LOUIS-BAR SYNDROME; Cerebello-oculocutaneous telangiectasia; Immunodeficiency with ataxia telangiectasia; ATAXIA-TELANGIECTASIA, COMPLEMENTATION GROUP A; ATAXIA-TELANGIECTASIA, FRESNO VARIANT; Ataxia-telangiectasia. Identifiers: Orphanet 100, MedGen C0004135, MONDO:0008840, OMIM 208900.

Submissions (4):

Ambry Genetics
Classification: Uncertain significance for Hereditary cancer-predisposing syndrome. Last evaluated: 2024-04-11. Review status: criteria provided, single submitter. Criteria: Ambry Variant Classification Scheme 2023. Collection method: clinical testing. Allele origin: germline.
Comment: The p.V128M variant (also known as c.382G>A), located in coding exon 4 of the ATM gene, results from a G to A substitution at nucleotide position 382. The valine at codon 128 is replaced by methionine, an amino acid with highly similar properties. This amino acid position is not well conserved in available vertebrate species. In addition, this alteration is predicted to be tolerated by in silico analysis. Since supporting evidence is limited at this time, the clinical significance of this alteration remains unclear.

Labcorp Genetics (formerly Invitae), Labcorp
Classification: Uncertain significance for Ataxia-telangiectasia syndrome. Last evaluated: 2022-04-01. Review status: criteria provided, single submitter. Criteria: Invitae Variant Classification Sherloc (09022015). Collection method: clinical testing. Allele origin: germline.
Comment: This sequence change replaces valine, which is neutral and non-polar, with methionine, which is neutral and non-polar, at codon 128 of the ATM protein (p.Val128Met). This variant is not present in population databases (gnomAD no frequency). This variant has not been reported in the literature in individuals affected with ATM-related conditions. ClinVar contains an entry for this variant (Variation ID: 127375). Advanced modeling of protein sequence and biophysical properties (such as structural, functional, and spatial information, amino acid conservation, physicochemical variation, residue mobility, and thermodynamic stability) performed at Invitae indicates that this missense variant is not expected to disrupt ATM protein function. In summary, the available evidence is currently insufficient to determine the role of this variant in disease. Therefore, it has been classified as a Variant of Uncertain Significance.

GeneDx
Classification: Uncertain significance. Last evaluated: 2014-01-17. Review status: criteria provided, single submitter. Criteria: GeneDx Variant Classification (06012015). Collection method: clinical testing. Allele origin: germline. Affected: yes.
Comment: This variant is denoted ATM c.382G>A at the cDNA level, p.Val128Met (V128M) at the protein level, and results in the change of a Valine to a Methionine (GTG>ATG). This variant has not, to our knowledge, been published in the literature as pathogenic or benign. ATM Val128Met was not observed in approximately 6,500 individuals of European and African American ancestry in the NHLBI Exome Sequencing Project, indicating it is not a common benign variant in these populations. This variant is a conservative substitution of one neutral non-polar amino acid for another, altering a position that is moderately conserved throughout evolution and is not located in a known functional domain. In silico analyses predict this variant to have a benign effect on protein structure and function. Based on currently available information, it is unclear whether ATM Val128Met is pathogenic or benign. We consider it to be a variant of uncertain significance.

Counsyl
Classification: Uncertain significance for Ataxia-telangiectasia syndrome. Last evaluated: 2017-11-14. Review status: no assertion criteria provided. Collection method: clinical testing. Allele origin: unknown. Not counted in ClinVar's aggregate classification.